The following is an entry in ClinVar:

ClinVar aggregate classification (germline): Uncertain significance (1 of 4 stars; one submission).

Submission:

Labcorp Genetics (formerly Invitae), Labcorp
Classification: Uncertain significance. Last evaluated: 2022-06-23. Review status: criteria provided, single submitter. Criteria: Invitae Variant Classification Sherloc (09022015). Collection method: clinical testing. Allele origin: germline.
Comment: This sequence change falls in intron 27 of the MPDZ gene. It does not directly change the encoded amino acid sequence of the MPDZ protein. In summary, the available evidence is currently insufficient to determine the role of this variant in disease. Therefore, it has been classified as a Variant of Uncertain Significance. Algorithms developed to predict the effect of sequence changes on RNA splicing suggest that this variant may disrupt the consensus splice site. This variant has not been reported in the literature in individuals affected with MPDZ-related conditions. This variant is present in population databases (no rsID available, gnomAD 0.003%).

NM_001378778.1(MPDZ):c.3832_3840+20dup

Gene: MPDZ (multiple PDZ domain crumbs cell polarity complex component; minus strand). Cytogenetic location: 9p23.
Variant type: Duplication.
Coding change: c.3832_3840+20dup on transcript NM_001378778.1 (MANE Select); coding-DNA position 3832 through 20 bases into the intron after coding-DNA position 3840, 29 bases duplicated (GCCGACAAGGTTGGATAATGCCCATTGTC).
Molecular consequence: splice donor variant. On other transcripts: intron variant (14).
Genome position (GRCh38, 1-based): chr9:13,143,446-13,143,474, GACAATGGGCATTATCCAACCTTGTCGGC duplicated on the plus strand (GCCGACAAGGTTGGATAATGCCCATTGTC on the coding strand, the reverse complement: MPDZ is on the minus strand); duplicating any 29 consecutive bases within chr9:13,143,446-13,143,475 gives the same sequence; the c. name uses the placement nearest the transcript's 3' end. VCF-style (leftmost placement, unchanged base first): chr9-13143445-A-AGACAATGGGCATTATCCAACCTTGTCGGC. GRCh37 (hg19) VCF-style: chr9-13143444-A-AGACAATGGGCATTATCCAACCTTGTCGGC.
Other names: c.3631-3325_3631-3297dup (NM_001375425.1, NM_001375420.1, NM_001375423.1 and 4 more transcripts); c.3742-3325_3742-3297dup (NM_001375419.1, NM_001375416.1, NM_001375418.1 and 3 more transcripts); c.3832_3840+20dup (NM_001330637.2, NM_003829.5, NM_001375413.1); c.3433-3325_3433-3297dup (NM_001375427.1).
Identifiers: ClinVar variation 2009907 (VCV002009907.4), dbSNP rs1490979254, ClinGen allele CA586227742.